The following is an entry in ClinVar:

ClinVar aggregate classification (germline): Uncertain significance (1 of 4 stars; one submission).

Conditions:
Hereditary hyperekplexia. Identifiers: Orphanet 3197, MedGen C4084968, MONDO:0021022.

Submission:

Labcorp Genetics (formerly Invitae), Labcorp
Classification: Uncertain significance for Hereditary hyperekplexia. Last evaluated: 2024-10-09. Review status: criteria provided, single submitter. Criteria: Invitae Variant Classification Sherloc (09022015). Collection method: clinical testing. Allele origin: germline.
Comment: This sequence change replaces methionine, which is neutral and non-polar, with lysine, which is basic and polar, at codon 46 of the GLRA1 protein (p.Met46Lys). This variant is not present in population databases (gnomAD no frequency). This variant has not been reported in the literature in individuals affected with GLRA1-related conditions. Invitae Evidence Modeling of protein sequence and biophysical properties (such as structural, functional, and spatial information, amino acid conservation, physicochemical variation, residue mobility, and thermodynamic stability) indicates that this missense variant is not expected to disrupt GLRA1 protein function with a negative predictive value of 80%. In summary, the available evidence is currently insufficient to determine the role of this variant in disease. Therefore, it has been classified as a Variant of Uncertain Significance.

NM_000171.4(GLRA1):c.137T>A (p.Met46Lys)

Gene: GLRA1 (glycine receptor alpha 1; minus strand). Cytogenetic location: 5q33.1.
Variant type: single nucleotide variant.
Coding change: c.137T>A on transcript NM_000171.4 (MANE Select); coding-DNA position 137, T replaced by A.
Protein change: p.Met46Lys; replaces methionine 46 with lysine.
Molecular consequence: missense variant. On other transcripts: intron variant (1).
Genome position (GRCh38, 1-based): chr5:151,892,358, A>T on the plus strand (T>A on the coding strand, the complement: GLRA1 is on the minus strand). VCF-style: chr5-151892358-A-T. GRCh37 (hg19) VCF-style: chr5-151271919-A-T.
Other names: c.137T>A, p.Met46Lys (NM_001146040.2); c.-65-5570T>A (NM_001292000.2); short protein forms M46K.
Identifiers: ClinVar variation 3719940 (VCV003719940.2).
Genomic context (GRCh38, chr5:151,892,358, plus strand): 5'-ATATTTTCTCTACCTTTAAAATTGGGCCTGATCCTGGCATCATATCCGGAGGTTCTCCCC[A>T]TTAGCTTATCCAGGAAATCCGAGGGTGACATAGGCTTGGGTGCGGAGCGAGCAGCTTCAG-3'
Protein context (NP_000162.2, residues 36-56): MSPSDFLDKL[Met46Lys]GRTSGYDARI